The following is an entry in ClinVar:

NM_017654.4(SAMD9):c.3848A>G (p.Asn1283Ser)

Gene: SAMD9 (sterile alpha motif domain containing 9; minus strand). Cytogenetic location: 7q21.2.
Variant type: single nucleotide variant.
Coding change: c.3848A>G on transcript NM_017654.4 (MANE Select); coding-DNA position 3848, A replaced by G.
Protein change: p.Asn1283Ser; replaces asparagine 1283 with serine.
Molecular consequence: missense variant.
Genome position (GRCh38, 1-based): chr7:93,102,250, T>C on the plus strand (A>G on the coding strand, the complement: SAMD9 is on the minus strand). VCF-style: chr7-93102250-T-C. GRCh37 (hg19) VCF-style: chr7-92731563-T-C.
Other names: c.3848A>G, p.Asn1283Ser (NM_001193307.2); c.3848A>G (NM_017654.3); short protein forms N1283S.
Identifiers: ClinVar variation 1486976 (VCV001486976.9), dbSNP rs746230792, ClinGen allele CA4342627.

ClinVar aggregate classification (germline): Uncertain significance. Review status: criteria provided, multiple submitters, no conflicts (2 of 4 stars). 2 submissions from 2 submitters: Uncertain significance (2). Last evaluated 2025-03-25.

Conditions:
Inborn genetic diseases. Identifiers: MedGen C0950123, MeSH D030342.

Allele frequency attached by ClinVar (database versions not stated): gnomAD exomes below 0.00001; ExAC 0.00001; gnomAD 0.00001; TOPMed 0.00001.
gnomAD v4.1: 3 of 1,613,596 alleles (0.00019%); highest among the groups gnomAD compares: Admixed American, 0.0033%; no homozygotes.

Submissions (2):

Labcorp Genetics (formerly Invitae), Labcorp
Classification: Uncertain significance. Last evaluated: 2025-03-25. Review status: criteria provided, single submitter. Criteria: Invitae Variant Classification Sherloc (09022015). Collection method: clinical testing. Allele origin: germline.
Comment: This sequence change replaces asparagine, which is neutral and polar, with serine, which is neutral and polar, at codon 1283 of the SAMD9 protein (p.Asn1283Ser). This variant is present in population databases (rs746230792, gnomAD 0.003%). This variant has not been reported in the literature in individuals affected with SAMD9-related conditions. ClinVar contains an entry for this variant (Variation ID: 1486976). Invitae Evidence Modeling of protein sequence and biophysical properties (such as structural, functional, and spatial information, amino acid conservation, physicochemical variation, residue mobility, and thermodynamic stability) indicates that this missense variant is not expected to disrupt SAMD9 protein function with a negative predictive value of 95%. In summary, the available evidence is currently insufficient to determine the role of this variant in disease. Therefore, it has been classified as a Variant of Uncertain Significance.

Ambry Genetics
Classification: Uncertain significance for Inborn genetic diseases. Last evaluated: 2024-12-02. Review status: criteria provided, single submitter. Criteria: Ambry Variant Classification Scheme 2023. Collection method: clinical testing. Allele origin: germline.
Comment: The p.N1283S variant (also known as c.3848A>G), located in coding exon 1 of the SAMD9 gene, results from an A to G substitution at nucleotide position 3848. The asparagine at codon 1283 is replaced by serine, an amino acid with highly similar properties. This amino acid position is conserved. In addition, this alteration is predicted to be tolerated by in silico analysis. Based on the available evidence, the clinical significance of this variant remains unclear.